The following is an entry in ClinVar:

NM_012452.3(TNFRSF13B):c.355del (p.Arg119fs)

Gene: TNFRSF13B (TNF receptor superfamily member 13B; minus strand). Cytogenetic location: 17p11.2.
Variant type: Deletion.
Coding change: c.355del on transcript NM_012452.3 (MANE Select); coding-DNA position 355, one base deleted (A; older notation c.355delA).
Protein change: p.Arg119fs; shifts the reading frame from arginine 119.
Molecular consequence: frameshift variant.
Genome position (GRCh38, 1-based): chr17:16,948,828, T deleted on the plus strand (A on the coding strand, the reverse complement: TNFRSF13B is on the minus strand). VCF-style (leftmost placement, unchanged base first): chr17-16948827-CT-C. GRCh37 (hg19) VCF-style: chr17-16852141-CT-C.
Other names: short protein forms R119fs.
Identifiers: ClinVar variation 2780378 (VCV002780378.5), dbSNP rs1179744489, ClinGen allele CA625313745.

ClinVar aggregate classification (germline): Pathogenic/Likely pathogenic. Review status: criteria provided, multiple submitters, no conflicts (2 of 4 stars). 2 submissions from 2 submitters: Pathogenic (1); Likely pathogenic (1). Last evaluated 2024-10-15.

Conditions:
Immunodeficiency, common variable, 2 (CVID2). Also called: ANTIBODY DEFICIENCY DUE TO TACI DEFECT; HYPOGAMMAGLOBULINEMIA DUE TO TACI DEFICIENCY. Identifiers: Orphanet 1572, MedGen C3150354, MONDO:0009413, OMIM 240500.
Immunoglobulin A deficiency 2 (IGAD2). Identifiers: MedGen C1836032, MONDO:0012291, OMIM 609529.

Allele frequency attached by ClinVar (database versions not stated): gnomAD exomes below 0.00001.

Submissions (2):

Labcorp Genetics (formerly Invitae), Labcorp
Classification: Pathogenic for Immunodeficiency, common variable, 2. Last evaluated: 2024-10-15. Review status: criteria provided, single submitter. Criteria: Invitae Variant Classification Sherloc (09022015). Collection method: clinical testing. Allele origin: germline.
Comment: This sequence change creates a premature translational stop signal (p.Arg119Glyfs*35) in the TNFRSF13B gene. It is expected to result in an absent or disrupted protein product. Loss-of-function variants in TNFRSF13B are known to be pathogenic (PMID: 16007087, 27123465). This variant is present in population databases (no rsID available, gnomAD 0.006%). This premature translational stop signal has been observed in individual(s) with clinical features of common variable immunodeficiency (PMID: 33425813). For these reasons, this variant has been classified as Pathogenic.

Juno Genomics, Hangzhou Juno Genomics, Inc
Classification: Likely pathogenic for Immunodeficiency, common variable, 2; Immunoglobulin A deficiency 2. Review status: criteria provided, single submitter. Criteria: ACMG Guidelines, 2015. Collection method: clinical testing. Allele origin: germline.
Comment: Null variant in a gene where loss of function (LOF) is a known mechanism of disease.;Absent from controls (or at extremely low frequency if recessive) in Genome Aggregation Database.

Literature cited by the submitters: PubMed 16007087 (cited by Labcorp Genetics (formerly Invitae), Labcorp); PubMed 27123465 (cited by Labcorp Genetics (formerly Invitae), Labcorp); PubMed 33425813 (cited by Labcorp Genetics (formerly Invitae), Labcorp).